The following is an entry in ClinVar:

NM_012233.3(RAB3GAP1):c.18+3G>C

Gene: RAB3GAP1 (RAB3 GTPase activating protein catalytic subunit 1; plus strand). Cytogenetic location: 2q21.3.
Variant type: single nucleotide variant.
Coding change: c.18+3G>C on transcript NM_012233.3 (MANE Select); 3 bases into the intron after coding-DNA position 18, G replaced by C.
Molecular consequence: intron variant.
Genome position (GRCh38, 1-based): chr2:135,052,328, G>C. VCF-style: chr2-135052328-G-C. GRCh37 (hg19) VCF-style: chr2-135809898-G-C.
Other names: c.18+3G>C (NM_001172435.2).
Identifiers: ClinVar variation 2230807 (VCV002230807.2), dbSNP rs374426728, ClinGen allele CA1884372.

ClinVar aggregate classification (germline): Uncertain significance (1 of 4 stars; one submission).

Conditions:
Inborn genetic diseases. Identifiers: MedGen C0950123, MeSH D030342.

Allele frequency attached by ClinVar (database versions not stated): ExAC 0.00002; gnomAD 0.00002; TOPMed 0.00003; gnomAD exomes 0.00010; ESP Exome Variant Server 0.00015.
gnomAD v4.1: 148 of 1,613,938 alleles (0.0092%); highest among the groups gnomAD compares: Non-Finnish European, 0.012%; no homozygotes.

Submission:

Ambry Genetics
Classification: Uncertain significance for Inborn genetic diseases. Last evaluated: 2021-06-02. Review status: criteria provided, single submitter. Criteria: Ambry Variant Classification Scheme 2023. Collection method: clinical testing. Allele origin: germline.
Comment: The c.18+3G>C intronic alteration consists of a G to C substitution 3 nucleotides after exon 1 (coding exon 1) of the RAB3GAP1 gene. Based on insufficient or conflicting evidence, the clinical significance of this alteration remains unclear.